The following is an entry in ClinVar:

NM_002734.5(PRKAR1A):c.140T>C (p.Met47Thr)

Gene: PRKAR1A (protein kinase cAMP-dependent type I regulatory subunit alpha; plus strand). Cytogenetic location: 17q24.2.
Variant type: single nucleotide variant.
Coding change: c.140T>C on transcript NM_002734.5 (MANE Select); coding-DNA position 140, T replaced by C.
Protein change: p.Met47Thr; replaces methionine 47 with threonine.
Molecular consequence: missense variant.
Genome position (GRCh38, 1-based): chr17:68,515,539, T>C. VCF-style: chr17-68515539-T-C. GRCh37 (hg19) VCF-style: chr17-66511680-T-C.
Other names: c.140T>C, p.Met47Thr (NM_001276289.2, NM_001276290.1, NM_001278433.2 and 4 more transcripts); short protein forms M47T.
Identifiers: ClinVar variation 2447616 (VCV002447616.2), dbSNP rs2085406538, ClinGen allele CA400752049.

ClinVar aggregate classification (germline): Uncertain significance (1 of 4 stars; one submission).

Conditions:
Hereditary cancer-predisposing syndrome. Also called: Neoplastic Syndromes, Hereditary; Hereditary Cancer Syndrome; Tumor predisposition; Hereditary neoplastic syndrome. Identifiers: Orphanet 140162, MedGen C0027672, MeSH D009386, MONDO:0015356.

Allele frequency attached by ClinVar (database versions not stated): TOPMed below 0.00001.

Submission:

Ambry Genetics
Classification: Uncertain significance for Hereditary cancer-predisposing syndrome. Last evaluated: 2022-12-29. Review status: criteria provided, single submitter. Criteria: Ambry Variant Classification Scheme 2023. Collection method: clinical testing. Allele origin: germline.
Comment: The p.M47T variant (also known as c.140T>C), located in coding exon 1 of the PRKAR1A gene, results from a T to C substitution at nucleotide position 140. The methionine at codon 47 is replaced by threonine, an amino acid with similar properties. This amino acid position is conserved. In addition, this alteration is predicted to be deleterious by in silico analysis. Since supporting evidence is limited at this time, the clinical significance of this alteration remains unclear.